The following is an entry in ClinVar:

ClinVar aggregate classification (germline): Uncertain significance (1 of 4 stars; one submission).

Conditions:
Cardiovascular phenotype. Identifiers: MedGen CN230736.

Submission:

Ambry Genetics
Classification: Uncertain significance for Cardiovascular phenotype. Last evaluated: 2023-11-20. Review status: criteria provided, single submitter. Criteria: Ambry Variant Classification Scheme 2023. Collection method: clinical testing. Allele origin: germline.
Comment: The c.4699+5G>A intronic variant results from a G to A substitution 5 nucleotides after coding exon 8 in the ALPK3 gene. This nucleotide position is highly conserved in available vertebrate species. In silico splice site analysis predicts that this alteration will weaken the native splice donor site. Since supporting evidence is limited at this time, the clinical significance of this alteration remains unclear.

NM_020778.5(ALPK3):c.4093+5G>A

Gene: ALPK3 (alpha kinase 3; plus strand). Cytogenetic location: 15q25.3.
Variant type: single nucleotide variant.
Coding change: c.4093+5G>A on transcript NM_020778.5 (MANE Select); 5 bases into the intron after coding-DNA position 4093, G replaced by A.
Molecular consequence: intron variant.
Genome position (GRCh38, 1-based): chr15:84,859,908, G>A. VCF-style: chr15-84859908-G-A. GRCh37 (hg19) VCF-style: chr15-85403139-G-A.
Identifiers: ClinVar variation 3227484 (VCV003227484.1), dbSNP rs1405430982, ClinGen allele CA2825002309.